The following is an entry in ClinVar:

ClinVar aggregate classification (germline): Conflicting classifications of pathogenicity. Review status: criteria provided, conflicting classifications (1 of 4 stars). 5 submissions from 5 submitters: Uncertain significance (1); Likely benign (4). Last evaluated 2025-05-09.

Conditions:
Charcot-Marie-Tooth disease type 2. Also called: Charcot-Marie-Tooth type 2. Identifiers: Orphanet 64746, MedGen C0270914, MONDO:0018993.
GARS1-related disorder. Also called: GARS1-related condition.

Allele frequency attached by ClinVar (database versions not stated): gnomAD exomes 0.00001 and 0.00004; gnomAD 0.00003; ExAC 0.00006; TOPMed 0.00006.
gnomAD v4.1: 26 of 1,593,132 alleles (0.0016%); highest among the groups gnomAD compares: Middle Eastern, 0.053%; no homozygotes.

Submissions (5):

Labcorp Genetics (formerly Invitae), Labcorp
Classification: Likely benign for Charcot-Marie-Tooth disease type 2. Last evaluated: 2025-05-09. Review status: criteria provided, single submitter. Criteria: Invitae Variant Classification Sherloc (09022015). Collection method: clinical testing. Allele origin: germline.

PreventionGenetics, part of Exact Sciences
Classification: Likely benign for GARS1-related condition. Last evaluated: 2025-02-19. Review status: criteria provided, single submitter. Criteria: ACMG Guidelines, 2015. Collection method: clinical testing. Allele origin: germline.
Comment: This variant is classified as likely benign based on ACMG/AMP sequence variant interpretation guidelines (Richards et al. 2015 PMID: 25741868, with internal and published modifications).

Ambry Genetics
Classification: Likely benign. Last evaluated: 2019-07-11. Review status: criteria provided, single submitter. Criteria: Ambry Variant Classification Scheme 2023. Collection method: clinical testing. Allele origin: germline.

CeGaT Center for Human Genetics Tuebingen
Classification: Uncertain significance. Last evaluated: 2017-05-01. Review status: criteria provided, single submitter. Criteria: CeGaT Center For Human Genetics Tuebingen Variant Classification Criteria Version 2. Collection method: clinical testing. Allele origin: germline. Affected: yes. Observed: 1 variant allele.

GeneDx
Classification: Likely benign. Last evaluated: 2017-03-28. Review status: criteria provided, single submitter. Criteria: GeneDx Variant Classification (06012015). Collection method: clinical testing. Allele origin: germline. Affected: yes.
Comment: This variant is considered likely benign or benign based on one or more of the following criteria: it is a conservative change, it occurs at a poorly conserved position in the protein, it is predicted to be benign by multiple in silico algorithms, and/or has population frequency not consistent with disease.

NM_002047.4(GARS1):c.69G>A (p.Arg23=)

Gene: GARS1 (glycyl-tRNA synthetase 1; plus strand). Cytogenetic location: 7p14.3.
Variant type: single nucleotide variant.
Coding change: c.69G>A on transcript NM_002047.4 (MANE Select); coding-DNA position 69, G replaced by A.
Protein change: p.Arg23=; no amino-acid change (arginine 23 retained).
Molecular consequence: synonymous variant. On other transcripts: 5 prime UTR variant (1).
Genome position (GRCh38, 1-based): chr7:30,594,990, G>A. VCF-style: chr7-30594990-G-A. GRCh37 (hg19) VCF-style: chr7-30634606-G-A.
Other names: c.69G>A (NM_002047.3, LRG_243t1); c.-94G>A (NM_001316772.1).
Identifiers: ClinVar variation 384840 (VCV000384840.54), dbSNP rs762624758, ClinGen allele CA4205582.